The following is an entry in ClinVar:

ClinVar aggregate classification (germline): Likely benign (1 of 4 stars; one submission).

Allele frequency attached by ClinVar (database versions not stated): gnomAD exomes 0.00038; gnomAD 0.00292; 1000 Genomes Project 30x 0.00640.
gnomAD v4.1: 1,044 of 1,611,126 alleles (0.065%); highest among the groups gnomAD compares: African/African-American, 0.78%; 12 homozygotes.

Submission:

CeGaT Center for Human Genetics Tuebingen
Classification: Likely benign. Last evaluated: 2022-12-01. Review status: criteria provided, single submitter. Criteria: CeGaT Center For Human Genetics Tuebingen Variant Classification Criteria Version 2. Collection method: clinical testing. Allele origin: germline. Affected: yes. Observed: 1 variant allele.
Comment: OR2M5: BP4, BS2

NM_001004690.1(OR2M5):c.595C>A (p.Leu199Ile)

Gene: OR2M5 (olfactory receptor family 2 subfamily M member 5; plus strand). Cytogenetic location: 1q44.
Variant type: single nucleotide variant.
Coding change: c.595C>A on transcript NM_001004690.1 (MANE Select); coding-DNA position 595, C replaced by A.
Protein change: p.Leu199Ile; replaces leucine 199 with isoleucine.
Molecular consequence: missense variant.
Genome position (GRCh38, 1-based): chr1:248,145,742, C>A. VCF-style: chr1-248145742-C-A. GRCh37 (hg19) VCF-style: chr1-248309044-C-A.
Other names: short protein forms L199I.
Identifiers: ClinVar variation 2640249 (VCV002640249.24), dbSNP rs146509158, ClinGen allele CA1501166.